The following is an entry in ClinVar:

ClinVar aggregate classification (germline): Uncertain significance (1 of 4 stars; one submission).

gnomAD v4.1: 4 of 527,620 alleles (0.00076%); highest among the groups gnomAD compares: Non-Finnish European, 0.001%; no homozygotes.

Submission:

Labcorp Genetics (formerly Invitae), Labcorp
Classification: Uncertain significance. Last evaluated: 2024-03-20. Review status: criteria provided, single submitter. Criteria: Invitae Variant Classification Sherloc (09022015). Collection method: clinical testing. Allele origin: germline.
Comment: This sequence change falls in intron 8 of the KCNQ4 gene. It does not directly change the encoded amino acid sequence of the KCNQ4 protein. It affects a nucleotide within the consensus splice site. This variant is present in population databases (no rsID available, gnomAD 0.0009%). This variant has not been reported in the literature in individuals affected with KCNQ4-related conditions. Variants that disrupt the consensus splice site are a relatively common cause of aberrant splicing (PMID: 17576681, 9536098). Algorithms developed to predict the effect of sequence changes on RNA splicing suggest that this variant is not likely to affect RNA splicing. In summary, the available evidence is currently insufficient to determine the role of this variant in disease. Therefore, it has been classified as a Variant of Uncertain Significance.

Literature cited by the submitters: PubMed 17576681; PubMed 9536098.

NM_004700.4(KCNQ4):c.1130+3A>G

Gene: KCNQ4 (potassium voltage-gated channel subfamily Q member 4; plus strand). Cytogenetic location: 1p34.2.
Variant type: single nucleotide variant.
Coding change: c.1130+3A>G on transcript NM_004700.4 (MANE Select); 3 bases into the intron after coding-DNA position 1130, A replaced by G.
Molecular consequence: intron variant.
Genome position (GRCh38, 1-based): chr1:40,822,405, A>G. VCF-style: chr1-40822405-A-G. GRCh37 (hg19) VCF-style: chr1-41288077-A-G.
Other names: c.1130+3A>G (NM_172163.3).
Identifiers: ClinVar variation 3709045 (VCV003709045.2).